The following is an entry in ClinVar:

NM_014991.6(WDFY3):c.6287A>G (p.Asn2096Ser)

Gene: WDFY3 (WD repeat and FYVE domain containing 3; minus strand). Cytogenetic location: 4q21.23.
Variant type: single nucleotide variant.
Coding change: c.6287A>G on transcript NM_014991.6 (MANE Select); coding-DNA position 6287, A replaced by G.
Protein change: p.Asn2096Ser; replaces asparagine 2096 with serine.
Molecular consequence: missense variant.
Genome position (GRCh38, 1-based): chr4:84,740,364, T>C on the plus strand (A>G on the coding strand, the complement: WDFY3 is on the minus strand). VCF-style: chr4-84740364-T-C. GRCh37 (hg19) VCF-style: chr4-85661517-T-C.
Other names: short protein forms N2096S.
Identifiers: ClinVar variation 2446497 (VCV002446497.1), dbSNP rs112219413, ClinGen allele CA2992875.

ClinVar aggregate classification (germline): Uncertain significance (1 of 4 stars; one submission).

Allele frequency attached by ClinVar (database versions not stated): gnomAD exomes 0.00001; ExAC 0.00002.
gnomAD v4.1: 11 of 1,614,148 alleles (0.00068%); highest among the groups gnomAD compares: Admixed American, 0.0017%; no homozygotes.

Submission:

GeneDx
Classification: Uncertain significance. Last evaluated: 2022-10-03. Review status: criteria provided, single submitter. Criteria: GeneDx Variant Classification Process June 2021. Collection method: clinical testing. Allele origin: germline. Affected: yes.
Comment: In silico analysis supports that this missense variant has a deleterious effect on protein structure/function; Has not been previously published as pathogenic or benign to our knowledge